The following is an entry in ClinVar:

NM_024408.4(NOTCH2):c.4996G>A (p.Val1666Ile)

Gene: NOTCH2 (notch receptor 2; minus strand). Cytogenetic location: 1p12.
Variant type: single nucleotide variant.
Coding change: c.4996G>A on transcript NM_024408.4 (MANE Select); coding-DNA position 4996, G replaced by A.
Protein change: p.Val1666Ile; replaces valine 1666 with isoleucine.
Molecular consequence: missense variant.
Genome position (GRCh38, 1-based): chr1:119,922,642, C>T on the plus strand (G>A on the coding strand, the complement: NOTCH2 is on the minus strand). VCF-style: chr1-119922642-C-T. GRCh37 (hg19) VCF-style: chr1-120465265-C-T.
Other names: c.4996G>A (NM_024408.3); short protein forms V1666I.
Identifiers: ClinVar variation 2170063 (VCV002170063.7), dbSNP rs371812503, ClinGen allele CA1039754.

ClinVar aggregate classification (germline): Uncertain significance. Review status: criteria provided, multiple submitters, no conflicts (2 of 4 stars). 2 submissions from 2 submitters: Uncertain significance (2). Last evaluated 2026-05-04.

Conditions:
NOTCH2-related disorder. Also called: NOTCH2-related condition.
Hajdu-Cheney syndrome (HJCYS). Also called: ACROOSTEOLYSIS WITH OSTEOPOROSIS AND CHANGES IN SKULL AND MANDIBLE; Acroosteolysis dominant type; SERPENTINE FIBULA-POLYCYSTIC KIDNEY SYNDROME. Identifiers: Orphanet 955, MedGen C0917715, MONDO:0007057, OMIM 102500.

Allele frequency attached by ClinVar (database versions not stated): gnomAD 0.00001; gnomAD exomes 0.00002; ExAC 0.00003; TOPMed 0.00003; ESP Exome Variant Server 0.00008.
gnomAD v4.1: 25 of 1,613,984 alleles (0.0015%); highest among the groups gnomAD compares: Non-Finnish European, 0.0021%; no homozygotes.

Submissions (2):

PreventionGenetics, part of Exact Sciences
Classification: Uncertain significance for NOTCH2-related condition. Last evaluated: 2026-05-04. Review status: criteria provided, single submitter. Criteria: ACMG Guidelines, 2015. Collection method: clinical testing. Allele origin: germline.
Comment: The NOTCH2 c.4996G>A variant is predicted to result in the amino acid substitution p.Val1666Ile. To our knowledge, this variant has not been reported in the literature. This variant is reported in 0.0044% of alleles in individuals of European (Non-Finnish) descent in gnomAD. Although we suspect that this variant may be benign, at this time, the clinical significance of this variant is uncertain due to the absence of conclusive functional and genetic evidence.

Labcorp Genetics (formerly Invitae), Labcorp
Classification: Uncertain significance for Hajdu-Cheney syndrome. Last evaluated: 2025-12-02. Review status: criteria provided, single submitter. Criteria: Invitae Variant Classification Sherloc (09022015). Collection method: clinical testing. Allele origin: germline.
Comment: This sequence change replaces valine, which is neutral and non-polar, with isoleucine, which is neutral and non-polar, at codon 1666 of the NOTCH2 protein (p.Val1666Ile). This variant is present in population databases (rs371812503, gnomAD 0.004%). This variant has not been reported in the literature in individuals affected with NOTCH2-related conditions. ClinVar contains an entry for this variant (Variation ID: 2170063). Invitae Evidence Modeling of protein sequence and biophysical properties (such as structural, functional, and spatial information, amino acid conservation, physicochemical variation, residue mobility, and thermodynamic stability) indicates that this missense variant is not expected to disrupt NOTCH2 protein function with a negative predictive value of 80%. In summary, the available evidence is currently insufficient to determine the role of this variant in disease. Therefore, it has been classified as a Variant of Uncertain Significance.